The following is an entry in ClinVar:

NM_033026.6(PCLO):c.3037G>A (p.Glu1013Lys)

Gene: PCLO (piccolo presynaptic cytomatrix protein; minus strand). Cytogenetic location: 7q21.11.
Variant type: single nucleotide variant.
Coding change: c.3037G>A on transcript NM_033026.6 (MANE Select); coding-DNA position 3037, G replaced by A.
Protein change: p.Glu1013Lys; replaces glutamic acid 1013 with lysine.
Molecular consequence: missense variant.
Genome position (GRCh38, 1-based): chr7:83,134,513, C>T on the plus strand (G>A on the coding strand, the complement: PCLO is on the minus strand). VCF-style: chr7-83134513-C-T. GRCh37 (hg19) VCF-style: chr7-82763829-C-T.
Other names: c.3037G>A, p.Glu1013Lys (NM_014510.3); short protein forms E1013K.
Identifiers: ClinVar variation 1385357 (VCV001385357.8), dbSNP rs2116614350, ClinGen allele CA367897885.
Genomic context (GRCh38, chr7:83,134,513, plus strand): 5'-TATCCTTAATAGGTGGTGGCTTTTTTTCTGTTTCTGTTCTTTTTACTGTTGGAGCTTGTT[C>T]AGCTTTGGGCTCTAATTTTTCAGCTGCTGGGGCTTTTGTTTCCTTTTTCACAGGTATACT-3'
Protein context (NP_149015.2, residues 1003-1023): PAAEKLEPKA[Glu1013Lys]QAPTVKRTET

ClinVar aggregate classification (germline): Uncertain significance (1 of 4 stars; one submission).

Submission:

Labcorp Genetics (formerly Invitae), Labcorp
Classification: Uncertain significance. Last evaluated: 2022-08-09. Review status: criteria provided, single submitter. Criteria: Invitae Variant Classification Sherloc (09022015). Collection method: clinical testing. Allele origin: germline.
Comment: Algorithms developed to predict the effect of missense changes on protein structure and function are either unavailable or do not agree on the potential impact of this missense change (SIFT: "Tolerated"; PolyPhen-2: "Not Available"; Align-GVGD: "Class C0"). ClinVar contains an entry for this variant (Variation ID: 1385357). This variant has not been reported in the literature in individuals affected with PCLO-related conditions. This variant is not present in population databases (gnomAD no frequency). This sequence change replaces glutamic acid, which is acidic and polar, with lysine, which is basic and polar, at codon 1013 of the PCLO protein (p.Glu1013Lys). In summary, the available evidence is currently insufficient to determine the role of this variant in disease. Therefore, it has been classified as a Variant of Uncertain Significance.